The following is an entry in ClinVar:

ClinVar aggregate classification (germline): Conflicting classifications of pathogenicity. Review status: criteria provided, conflicting classifications (1 of 4 stars). 3 submissions from 3 submitters: Uncertain significance (1); Likely benign (2). Last evaluated 2024-06-17.

Conditions:
Inborn genetic diseases. Identifiers: MedGen C0950123, MeSH D030342.

Allele frequency attached by ClinVar (database versions not stated): TOPMed 0.00009; gnomAD exomes 0.00010; ExAC 0.00011; gnomAD 0.00012.
gnomAD v4.1: 126 of 1,208,545 alleles (0.01%); highest among the groups gnomAD compares: African/African-American, 0.016%; no homozygotes.

Submissions (3):

Labcorp Genetics (formerly Invitae), Labcorp
Classification: Likely benign. Last evaluated: 2024-06-17. Review status: criteria provided, single submitter. Criteria: Invitae Variant Classification Sherloc (09022015). Collection method: clinical testing. Allele origin: germline.

Women's Health and Genetics/Laboratory Corporation of America, LabCorp
Classification: Likely benign. Last evaluated: 2024-06-10. Review status: criteria provided, single submitter. Criteria: LabCorp Variant Classification Summary - May 2015. Collection method: clinical testing. Allele origin: germline.
Comment: Variant summary: CLCN5 c.1121A>G (p.Asn374Ser) results in a conservative amino acid change in the encoded protein sequence. Three of five in-silico tools predict a damaging effect of the variant on protein function. The variant allele was found at a frequency of 9.8e-05 in 183202 control chromosomes and 10 hemizygotes. This frequency is not significantly higher than estimated for a pathogenic variant in CLCN5 causing Dent Disease (9.8e-05 vs 0.00087). To our knowledge, no occurrence of c.1121A>G in individuals affected with Dent Disease and no experimental evidence demonstrating its impact on protein function have been reported. ClinVar contains an entry for this variant (Variation ID: 1347648). Based on the evidence outlined above, the variant was classified as likely benign.

Ambry Genetics
Classification: Uncertain significance for Inborn genetic diseases. Last evaluated: 2023-02-14. Review status: criteria provided, single submitter. Criteria: Ambry Variant Classification Scheme 2023. Collection method: clinical testing. Allele origin: germline.

NM_001127898.4(CLCN5):c.1331A>G (p.Asn444Ser)

Gene: CLCN5 (Cl-/H+ antiporter 5; plus strand). Cytogenetic location: Xp11.23.
Variant type: single nucleotide variant.
Coding change: c.1331A>G on transcript NM_001127898.4 (MANE Select); coding-DNA position 1331, A replaced by G.
Protein change: p.Asn444Ser; replaces asparagine 444 with serine.
Molecular consequence: missense variant.
Genome position (GRCh38, 1-based): chrX:50,086,644, A>G. VCF-style: chrX-50086644-A-G. GRCh37 (hg19) VCF-style: chrX-49851301-A-G.
Other names: c.1121A>G (NM_000084.2); c.1121A>G, p.Asn374Ser (NM_000084.5); c.1331A>G, p.Asn444Ser (NM_001127899.4); c.1181A>G, p.Asn394Ser (NM_001282163.2); short protein forms N394S, N374S, N444S.
Identifiers: ClinVar variation 1347648 (VCV001347648.8), dbSNP rs781912440, ClinGen allele CA10413863.
Genomic context (GRCh38, chrX:50,086,644, plus strand): 5'-AGTATCCTGTTATAGAGGTACTCGTCGTGACAGCCATCACTGCCATCCTGGCTTTCCCCA[A>G]TGAATACACTCGGATGAGCACAAGTGAGCTCATTTCTGAGCTGTTTAATGACTGTGGCCT-3'
Protein context (NP_001121370.1, residues 434-454): TAITAILAFP[Asn444Ser]EYTRMSTSEL